The following is an entry in ClinVar:

ClinVar aggregate classification (germline): Benign/Likely benign. Review status: criteria provided, multiple submitters, no conflicts (2 of 4 stars). 3 submissions from 3 submitters: Benign (1); Likely benign (2). Last evaluated 2026-06-08.

Conditions:
Hereditary cancer-predisposing syndrome. Also called: Neoplastic Syndromes, Hereditary; Tumor predisposition; Hereditary Cancer Syndrome; Hereditary neoplastic syndrome. Identifiers: Orphanet 140162, MedGen C0027672, MeSH D009386, MONDO:0015356.
Pheochromocytoma. Also called: MAX-Related Hereditary Paraganglioma-Pheochromocytoma Syndrome. Identifiers: Orphanet 29072, MedGen C0031511, MONDO:0008233, OMIM 171300, HP:0002666.
Hereditary pheochromocytoma and paraganglioma. Also called: Hereditary pheochromocytoma-paraganglioma; Hereditary paragangliomas and pheochromocytomas; Hereditary Paraganglioma-Pheochromocytoma Syndromes. Identifiers: Orphanet 29072, MedGen C4274332, MONDO:0017366.

Allele frequency attached by ClinVar (database versions not stated): gnomAD exomes 0.00001; TOPMed 0.00001.

Submissions (3):

Myriad Genetics, Inc.
Classification: Benign for Pheochromocytoma. Last evaluated: 2026-06-08. Review status: criteria provided, single submitter. Criteria: Myriad Autosomal Dominant, Autosomal Recessive and X-Linked Classification Criteria (2023). Collection method: clinical testing. Allele origin: unknown.
Comment: This variant is considered benign. This variant is a silent/synonymous amino acid change and it is not expected to impact splicing.

Labcorp Genetics (formerly Invitae), Labcorp
Classification: Likely benign for Hereditary pheochromocytoma and paraganglioma. Last evaluated: 2026-01-26. Review status: criteria provided, single submitter. Criteria: Invitae Variant Classification Sherloc (09022015). Collection method: clinical testing. Allele origin: germline.

Ambry Genetics
Classification: Likely benign for Hereditary cancer-predisposing syndrome. Last evaluated: 2024-10-31. Review status: criteria provided, single submitter. Criteria: Ambry Variant Classification Scheme 2023. Collection method: clinical testing. Allele origin: germline.

NM_002382.5(MAX):c.429G>A (p.Glu143=)

Gene: MAX (MYC associated transcriptional regulator X; minus strand). Cytogenetic location: 14q23.3.
Variant type: single nucleotide variant.
Coding change: c.429G>A on transcript NM_002382.5 (MANE Select); coding-DNA position 429, G replaced by A.
Protein change: p.Glu143=; no amino-acid change (glutamic acid 143 retained).
Molecular consequence: synonymous variant. On other transcripts: 3 prime UTR variant (12), non-coding transcript variant (7), intron variant (2).
Genome position (GRCh38, 1-based): chr14:65,076,530, C>T on the plus strand (G>A on the coding strand, the complement: MAX is on the minus strand). VCF-style: chr14-65076530-C-T. GRCh37 (hg19) VCF-style: chr14-65543248-C-T.
Other names: c.240G>A, p.Glu80= (NM_001320415.2, NM_001407105.1, NM_001407106.1 and 1 more transcripts); c.429G>A, p.Glu143= (NM_001407094.1); c.402G>A, p.Glu134= (NM_001407095.1, NM_145112.3); c.*202G>A (NM_001407096.1, NM_001407099.1, NM_001407102.1 and 2 more transcripts); c.*218G>A (NM_001407097.1, NM_001407100.1, NM_001407101.1 and 4 more transcripts); c.321G>A, p.Glu107= (NM_001407098.1); c.228G>A, p.Glu76= (NM_001407111.1, NM_001407112.1); c.144+17178G>A (NM_001271069.2); and 1 more.
Identifiers: ClinVar variation 1118358 (VCV001118358.12), dbSNP rs773818427, ClinGen allele CA262717048.